The following is an entry in ClinVar:

NM_000256.3(MYBPC3):c.3349G>A (p.Glu1117Lys)

Gene: MYBPC3 (myosin binding protein C3; minus strand). Cytogenetic location: 11p11.2.
Variant type: single nucleotide variant.
Coding change: c.3349G>A on transcript NM_000256.3 (MANE Select); coding-DNA position 3349, G replaced by A.
Protein change: p.Glu1117Lys; replaces glutamic acid 1117 with lysine.
Molecular consequence: missense variant.
Genome position (GRCh38, 1-based): chr11:47,332,955, C>T on the plus strand (G>A on the coding strand, the complement: MYBPC3 is on the minus strand). VCF-style: chr11-47332955-C-T. GRCh37 (hg19) VCF-style: chr11-47354506-C-T.
Other names: c.3349G>A, p.Glu1117Lys (LRG_386t1); short protein forms E1117K.
Identifiers: ClinVar variation 525043 (VCV000525043.9), dbSNP rs1555120382, ClinGen allele CA380313840.

ClinVar aggregate classification (germline): Uncertain significance (1 of 4 stars; one submission).

Conditions:
Hypertrophic cardiomyopathy. Also called: HYPERTROPHIC MYOCARDIOPATHY. Identifiers: Orphanet 217569, MedGen C0007194, MeSH D002312, MONDO:0005045, HP:0001639.

Allele frequency attached by ClinVar (database versions not stated): gnomAD exomes below 0.00001.
gnomAD v4.1: 3 of 1,610,686 alleles (0.00019%); highest among the groups gnomAD compares: Non-Finnish European, 0.00017%; no homozygotes.

Submission:

Labcorp Genetics (formerly Invitae), Labcorp
Classification: Uncertain significance for Hypertrophic cardiomyopathy. Last evaluated: 2024-11-03. Review status: criteria provided, single submitter. Criteria: Invitae Variant Classification Sherloc (09022015). Collection method: clinical testing. Allele origin: germline.
Comment: This sequence change replaces glutamic acid, which is acidic and polar, with lysine, which is basic and polar, at codon 1117 of the MYBPC3 protein (p.Glu1117Lys). This variant is not present in population databases (gnomAD no frequency). This variant has not been reported in the literature in individuals affected with MYBPC3-related conditions. ClinVar contains an entry for this variant (Variation ID: 525043). An algorithm developed to predict the effect of missense changes on protein structure and function (PolyPhen-2) suggests that this variant is likely to be disruptive. In summary, the available evidence is currently insufficient to determine the role of this variant in disease. Therefore, it has been classified as a Variant of Uncertain Significance.